The following is an entry in ClinVar:

NM_014009.4(FOXP3):c.1031C>T (p.Thr344Met)

Gene: FOXP3 (forkhead box P3; minus strand). Cytogenetic location: Xp11.23.
Variant type: single nucleotide variant.
Coding change: c.1031C>T on transcript NM_014009.4 (MANE Select); coding-DNA position 1031, C replaced by T.
Protein change: p.Thr344Met; replaces threonine 344 with methionine.
Molecular consequence: missense variant.
Genome position (GRCh38, 1-based): chrX:49,253,139, G>A on the plus strand (C>T on the coding strand, the complement: FOXP3 is on the minus strand). VCF-style: chrX-49253139-G-A. GRCh37 (hg19) VCF-style: chrX-49109600-G-A.
Other names: c.926C>T, p.Thr309Met (NM_001114377.2); short protein forms T309M, T344M.
Identifiers: ClinVar variation 1927266 (VCV001927266.5), dbSNP rs782539207, ClinGen allele CA10411683.

ClinVar aggregate classification (germline): Uncertain significance (1 of 4 stars; one submission).

Conditions:
Insulin-dependent diabetes mellitus secretory diarrhea syndrome (IPEX). Also called: Immune dysregulation-polyendocrinopathy-enteropathy-X-linked syndrome; IMMUNODEFICIENCY, POLYENDOCRINOPATHY, AND ENTEROPATHY, X-LINKED; IPEX and IPEX-Like; DIABETES MELLITUS, CONGENITAL INSULIN-DEPENDENT, WITH FATAL SECRETORY DIARRHEA; DIARRHEA, POLYENDOCRINOPATHY, FATAL INFECTION SYNDROME, X-LINKED; ENTEROPATHY, AUTOIMMUNE, WITH HEMOLYTIC ANEMIA AND POLYENDOCRINOPATHY. Identifiers: Orphanet 37042, MedGen C0342288, MONDO:0010580, OMIM 304790. Disease mechanism: loss of function.

Allele frequency attached by ClinVar (database versions not stated): gnomAD exomes 0.00001.
gnomAD v4.1: 13 of 1,209,166 alleles (0.0011%); highest among the groups gnomAD compares: East Asian, 0.012%; no homozygotes.

Submission:

Labcorp Genetics (formerly Invitae), Labcorp
Classification: Uncertain significance for Insulin-dependent diabetes mellitus secretory diarrhea syndrome. Last evaluated: 2023-01-16. Review status: criteria provided, single submitter. Criteria: Invitae Variant Classification Sherloc (09022015). Collection method: clinical testing. Allele origin: germline.
Comment: In summary, the available evidence is currently insufficient to determine the role of this variant in disease. Therefore, it has been classified as a Variant of Uncertain Significance. Advanced modeling of protein sequence and biophysical properties (such as structural, functional, and spatial information, amino acid conservation, physicochemical variation, residue mobility, and thermodynamic stability) performed at Invitae indicates that this missense variant is not expected to disrupt FOXP3 protein function. This variant has not been reported in the literature in individuals affected with FOXP3-related conditions. The frequency data for this variant in the population databases is considered unreliable, as metrics indicate poor data quality at this position in the gnomAD database. This sequence change replaces threonine, which is neutral and polar, with methionine, which is neutral and non-polar, at codon 344 of the FOXP3 protein (p.Thr344Met).